The following is an entry in ClinVar:

ClinVar aggregate classification (germline): Uncertain significance (1 of 4 stars; one submission).

Allele frequency attached by ClinVar (database versions not stated): TOPMed below 0.00001.

Submission:

GeneDx
Classification: Uncertain significance. Last evaluated: 2022-10-07. Review status: criteria provided, single submitter. Criteria: GeneDx Variant Classification Process June 2021. Collection method: clinical testing. Allele origin: germline. Affected: yes.
Comment: Not observed at significant frequency in large population cohorts (gnomAD); In silico analysis supports that this missense variant does not alter protein structure/function; Has not been previously published as pathogenic or benign to our knowledge

NM_006593.4(TBR1):c.167C>G (p.Thr56Ser)

Gene: TBR1 (T-box brain transcription factor 1; plus strand). Cytogenetic location: 2q24.2.
Variant type: single nucleotide variant.
Coding change: c.167C>G on transcript NM_006593.4 (MANE Select); coding-DNA position 167, C replaced by G.
Protein change: p.Thr56Ser; replaces threonine 56 with serine.
Molecular consequence: missense variant.
Genome position (GRCh38, 1-based): chr2:161,416,577, C>G. VCF-style: chr2-161416577-C-G. GRCh37 (hg19) VCF-style: chr2-162273088-C-G.
Other names: short protein forms T56S.
Identifiers: ClinVar variation 2497984 (VCV002497984.1), dbSNP rs1684126062, ClinGen allele CA349210684.